The following is an entry in ClinVar:

NM_001330260.2(SCN8A):c.3204C>T (p.Ser1068=)

Gene: SCN8A (sodium voltage-gated channel alpha subunit 8; plus strand). Cytogenetic location: 12q13.13.
Variant type: single nucleotide variant.
Coding change: c.3204C>T on transcript NM_001330260.2 (MANE Select); coding-DNA position 3204, C replaced by T.
Protein change: p.Ser1068=; no amino-acid change (serine 1068 retained).
Molecular consequence: synonymous variant.
Genome position (GRCh38, 1-based): chr12:51,769,167, C>T. VCF-style: chr12-51769167-C-T. GRCh37 (hg19) VCF-style: chr12-52162951-C-T.
Other names: c.3204C>T, p.Ser1068= (NM_001177984.3, NM_001369788.1, NM_014191.4).
Identifiers: ClinVar variation 194763 (VCV000194763.23), dbSNP rs201045619, ClinGen allele CA240911.

ClinVar aggregate classification (germline): Conflicting classifications of pathogenicity. Review status: criteria provided, conflicting classifications (1 of 4 stars). 6 submissions from 6 submitters: Uncertain significance (1); Benign (2); Likely benign (2). 1 of the submissions does not count toward it. Last evaluated 2026-02-02.

Conditions:
SCN8A-related disorder.
Early-infantile DEE. Also called: Ohtahara syndrome; Early infantile epileptic encephalopathy; Early infantile epileptic encephalopathy with suppression bursts. Identifiers: Orphanet 1934, MedGen C0393706, MONDO:0800491.
Inborn genetic diseases. Identifiers: MedGen C0950123, MeSH D030342.

Allele frequency attached by ClinVar (database versions not stated): gnomAD 0.00058 and 0.00054; TOPMed 0.00068; ESP Exome Variant Server 0.00100; gnomAD exomes 0.00010 and 0.00021; ExAC 0.00026; 1000 Genomes Project 30x 0.00031; 1000 Genomes Project 0.00040.
gnomAD v4.1: 235 of 1,613,370 alleles (0.015%); highest among the groups gnomAD compares: African/African-American, 0.21%; no homozygotes.

Submissions (6):

Labcorp Genetics (formerly Invitae), Labcorp
Classification: Benign for Early-infantile DEE. Last evaluated: 2026-02-02. Review status: criteria provided, single submitter. Criteria: Invitae Variant Classification Sherloc (09022015). Collection method: clinical testing. Allele origin: germline.

Blueprint Genetics
Classification: Likely benign. Last evaluated: 2024-08-05. Review status: criteria provided, single submitter. Criteria: ACMG Guidelines, 2015. Collection method: clinical testing. Allele origin: germline.

Ambry Genetics
Classification: Likely benign for Inborn genetic diseases. Last evaluated: 2018-11-28. Review status: criteria provided, single submitter. Criteria: Ambry Variant Classification Scheme 2023. Collection method: clinical testing. Allele origin: germline.

Eurofins Ntd Llc (ga)
Classification: Uncertain significance. Last evaluated: 2016-05-26. Review status: criteria provided, single submitter. Criteria: EGL Classification Definitions 2015. Collection method: clinical testing. Allele origin: germline. Observed: 2 variant alleles, 2 heterozygotes.

GeneDx
Classification: Benign. Last evaluated: 2015-03-03. Review status: criteria provided, single submitter. Criteria: GeneDx Variant Classification Process June 2021. Collection method: clinical testing. Allele origin: germline. Affected: yes.

PreventionGenetics, part of Exact Sciences
Classification: Likely benign for SCN8A-related condition. Last evaluated: 2024-03-12. Review status: no assertion criteria provided. Collection method: clinical testing. Allele origin: germline. Not counted in ClinVar's aggregate classification.
Comment: This variant is classified as likely benign based on ACMG/AMP sequence variant interpretation guidelines (Richards et al. 2015 PMID: 25741868, with internal and published modifications).